The following is an entry in ClinVar:

NM_005502.4(ABCA1):c.6729C>A (p.Asp2243Glu)

Genes: NIPSNAP3B (nipsnap homolog 3B; plus strand), ABCA1 (ATP binding cassette subfamily A member 1; minus strand). Cytogenetic location: 9q31.1.
Variant type: single nucleotide variant.
Coding change: c.6729C>A on transcript NM_005502.4 (MANE Select); coding-DNA position 6729, C replaced by A.
Protein change: p.Asp2243Glu; replaces aspartic acid 2243 with glutamic acid.
Molecular consequence: missense variant.
Genome position (GRCh38, 1-based): chr9:104,784,372, G>T on the plus strand (C>A on the coding strand, the complement: ABCA1 is on the minus strand). VCF-style: chr9-104784372-G-T. GRCh37 (hg19) VCF-style: chr9-107546653-G-T.
Other names: short protein forms D2243E.
Identifiers: ClinVar variation 364377 (VCV000364377.20), dbSNP rs34879708, ClinGen allele CA5167475.

ClinVar aggregate classification (germline): Benign/Likely benign. Review status: criteria provided, multiple submitters, no conflicts (2 of 4 stars). 6 submissions from 5 submitters: Benign (2); Likely benign (4). Last evaluated 2026-01-17.

Conditions:
Cardiovascular phenotype. Identifiers: MedGen CN230736.
Tangier disease (TGD). Also called: HIGH DENSITY LIPOPROTEIN DEFICIENCY, TANGIER TYPE; HIGH DENSITY LIPOPROTEIN DEFICIENCY, TYPE 1; Cholesterol thesaurismosis. Identifiers: Orphanet 31150, MedGen C0039292, MONDO:0008783, OMIM 205400.
Hypoalphalipoproteinemia, primary, 1. Identifiers: Orphanet 425, MedGen C5231558, MONDO:0011393, OMIM 604091.

Allele frequency attached by ClinVar (database versions not stated): 1000 Genomes Project 0.00439; ESP Exome Variant Server 0.00661; 1000 Genomes Project 30x 0.00531; gnomAD 0.00586; TOPMed 0.00648.

Submissions (6):

Labcorp Genetics (formerly Invitae), Labcorp
Classification: Benign. Last evaluated: 2026-01-17. Review status: criteria provided, single submitter. Criteria: Invitae Variant Classification Sherloc (09022015). Collection method: clinical testing. Allele origin: germline.

GeneDx
Classification: Likely benign. Last evaluated: 2020-11-30. Review status: criteria provided, single submitter. Criteria: GeneDx Variant Classification Process June 2021. Collection method: clinical testing. Allele origin: germline. Affected: yes.

Women's Health and Genetics/Laboratory Corporation of America, LabCorp
Classification: Benign. Last evaluated: 2020-08-10. Review status: criteria provided, single submitter. Criteria: LabCorp Variant Classification Summary - May 2015. Collection method: clinical testing. Allele origin: germline.
Comment: Variant summary: ABCA1 c.6729C>A (p.Asp2243Glu) results in a conservative amino acid change in the encoded protein sequence. Four of five in-silico tools predict a benign effect of the variant on protein function. The variant allele was found at a frequency of 0.0015 in 251244 control chromosomes, predominantly at a frequency of 0.019 within the African or African-American subpopulation in the gnomAD database, including 4 homozygotes. The observed variant frequency within African or African-American control individuals in the gnomAD database is approximately 1520 fold of the estimated maximal expected allele frequency for a pathogenic variant in ABCA1 causing Early Onset Coronary Artery Disease phenotype (1.3e-05), strongly suggesting that the variant is a benign polymorphism found primarily in populations of African or African-American origin. To our knowledge, no occurrence of c.6729C>A in individuals affected with Early Onset Coronary Artery Disease and no experimental evidence demonstrating its impact on protein function have been reported. Two ClinVar submitters (evaluation after 2014) cite the variant as benign/likely benign. Based on the evidence outlined above, the variant was classified as benign.

Ambry Genetics
Classification: Likely benign for Cardiovascular phenotype. Last evaluated: 2019-09-19. Review status: criteria provided, single submitter. Criteria: Ambry Variant Classification Scheme 2023. Collection method: clinical testing. Allele origin: germline.

Illumina Laboratory Services, Illumina
Classification: Likely benign for Hypoalphalipoproteinemia, primary, 1. Last evaluated: 2017-04-27. Review status: criteria provided, single submitter. Criteria: ICSL Variant Classification Criteria 13 December 2019. Collection method: clinical testing. Allele origin: germline.
Comment: This variant was observed as part of a predisposition screen in an ostensibly healthy population. A literature search was performed for the gene, cDNA change, and amino acid change (where applicable). No publications were found based on this search. Allele frequency data from public databases allowed determination this variant is unlikely to cause disease. Therefore, this variant is classified as likely benign.

Illumina Laboratory Services, Illumina
Classification: Likely benign for Tangier disease. Last evaluated: 2017-04-27. Review status: criteria provided, single submitter. Criteria: ICSL Variant Classification Criteria 13 December 2019. Collection method: clinical testing. Allele origin: germline.
Comment: the same text as in the submission from Illumina Laboratory Services, Illumina above.

Literature cited by the submitters: PubMed 16429166 (cited by Women's Health and Genetics/Laboratory Corporation of America, LabCorp); PubMed 23139370 (cited by Women's Health and Genetics/Laboratory Corporation of America, LabCorp); PubMed 25215231 (cited by Women's Health and Genetics/Laboratory Corporation of America, LabCorp).